The following is an entry in ClinVar:

ClinVar aggregate classification (germline): Uncertain significance (1 of 4 stars; one submission).

gnomAD v4.1: 4 of 1,613,942 alleles (0.00025%); highest among the groups gnomAD compares: African/African-American, 0.004%; no homozygotes.

Submission:

Labcorp Genetics (formerly Invitae), Labcorp
Classification: Uncertain significance. Last evaluated: 2024-03-26. Review status: criteria provided, single submitter. Criteria: Invitae Variant Classification Sherloc (09022015). Collection method: clinical testing. Allele origin: germline.
Comment: This sequence change replaces tyrosine, which is neutral and polar, with phenylalanine, which is neutral and non-polar, at codon 390 of the TNNI3K protein (p.Tyr390Phe). This variant is present in population databases (no rsID available, gnomAD 0.03%). This variant has not been reported in the literature in individuals affected with TNNI3K-related conditions. ClinVar contains an entry for this variant (Variation ID: 1970433). Advanced modeling of protein sequence and biophysical properties (such as structural, functional, and spatial information, amino acid conservation, physicochemical variation, residue mobility, and thermodynamic stability) performed at Invitae indicates that this missense variant is not expected to disrupt TNNI3K protein function with a negative predictive value of 80%. In summary, the available evidence is currently insufficient to determine the role of this variant in disease. Therefore, it has been classified as a Variant of Uncertain Significance.

NM_015978.3(TNNI3K):c.1169A>T (p.Tyr390Phe)

Genes: FPGT-TNNI3K (FPGT-TNNI3K readthrough; plus strand), TNNI3K (TNNI3 interacting kinase; plus strand). Cytogenetic location: 1p31.1.
Variant type: single nucleotide variant.
Coding change: c.1169A>T on transcript NM_015978.3 (MANE Select); coding-DNA position 1169, A replaced by T.
Protein change: p.Tyr390Phe; replaces tyrosine 390 with phenylalanine.
Molecular consequence: missense variant.
Genome position (GRCh38, 1-based): chr1:74,354,121, A>T. VCF-style: chr1-74354121-A-T. GRCh37 (hg19) VCF-style: chr1-74819805-A-T.
Other names: c.1472A>T, p.Tyr491Phe (NM_001112808.3, NM_001199327.2); short protein forms Y491F, Y390F.
Identifiers: ClinVar variation 1970433 (VCV001970433.5), dbSNP rs762701312, ClinGen allele CA340784614.